The following is an entry in ClinVar:

NM_002336.3(LRP6):c.220G>A (p.Ala74Thr)

Gene: LRP6 (LDL receptor related protein 6; minus strand). Cytogenetic location: 12p13.2.
Variant type: single nucleotide variant.
Coding change: c.220G>A on transcript NM_002336.3 (MANE Select); coding-DNA position 220, G replaced by A.
Protein change: p.Ala74Thr; replaces alanine 74 with threonine.
Molecular consequence: missense variant.
Genome position (GRCh38, 1-based): chr12:12,244,491, C>T on the plus strand (G>A on the coding strand, the complement: LRP6 is on the minus strand). VCF-style: chr12-12244491-C-T. GRCh37 (hg19) VCF-style: chr12-12397425-C-T.
Other names: c.220G>A (NM_002336.2); short protein forms A74T.
Identifiers: ClinVar variation 1348475 (VCV001348475.7), dbSNP rs1451295753, ClinGen allele CA383945628.

ClinVar aggregate classification (germline): Uncertain significance. Review status: criteria provided, multiple submitters, no conflicts (2 of 4 stars). 2 submissions from 2 submitters: Uncertain significance (2). Last evaluated 2025-09-25.

Conditions:
Inborn genetic diseases. Identifiers: MedGen C0950123, MeSH D030342.

Allele frequency attached by ClinVar (database versions not stated): gnomAD exomes below 0.00001 and 0.00001; TOPMed below 0.00001.
gnomAD v4.1: 8 of 1,614,188 alleles (0.0005%); highest among the groups gnomAD compares: Non-Finnish European, 0.00068%; no homozygotes.

Submissions (2):

Ambry Genetics
Classification: Uncertain significance for Inborn genetic diseases. Last evaluated: 2025-09-25. Review status: criteria provided, single submitter. Criteria: Ambry Variant Classification Scheme 2023. Collection method: clinical testing. Allele origin: germline.

Labcorp Genetics (formerly Invitae), Labcorp
Classification: Uncertain significance. Last evaluated: 2024-04-30. Review status: criteria provided, single submitter. Criteria: Invitae Variant Classification Sherloc (09022015). Collection method: clinical testing. Allele origin: germline.
Comment: This sequence change replaces alanine, which is neutral and non-polar, with threonine, which is neutral and polar, at codon 74 of the LRP6 protein (p.Ala74Thr). This variant is present in population databases (no rsID available, gnomAD 0.0009%). This variant has not been reported in the literature in individuals affected with LRP6-related conditions. ClinVar contains an entry for this variant (Variation ID: 1348475). Advanced modeling of protein sequence and biophysical properties (such as structural, functional, and spatial information, amino acid conservation, physicochemical variation, residue mobility, and thermodynamic stability) performed at Invitae indicates that this missense variant is not expected to disrupt LRP6 protein function with a negative predictive value of 80%. In summary, the available evidence is currently insufficient to determine the role of this variant in disease. Therefore, it has been classified as a Variant of Uncertain Significance.